The following is an entry in ClinVar:

ClinVar aggregate classification (germline): Pathogenic/Likely pathogenic. Review status: criteria provided, multiple submitters, no conflicts (2 of 4 stars). 2 submissions from 2 submitters: Pathogenic (1); Likely pathogenic (1). Last evaluated 2023-04-24.

Conditions:
Allan-Herndon-Dudley syndrome (AHDS). Also called: Passos-Bueno syndrome; ALLAN-HERNDON SYNDROME; MENTAL RETARDATION AND MUSCULAR ATROPHY; T3 RESISTANCE; TRIIODOTHYRONINE RESISTANCE. Identifiers: Orphanet 59, MedGen C0795889, MONDO:0010354, OMIM 300523.
Spastic paraplegia. Identifiers: MedGen C0037772, HP:0001258.

Submissions (2):

Labcorp Genetics (formerly Invitae), Labcorp
Classification: Pathogenic for Spastic paraplegia. Last evaluated: 2023-04-24. Review status: criteria provided, single submitter. Criteria: Invitae Variant Classification Sherloc (09022015). Collection method: clinical testing. Allele origin: germline.
Comment: ClinVar contains an entry for this variant (Variation ID: 1366592). This variant has not been reported in the literature in individuals affected with SLC16A2-related conditions. This variant is not present in population databases (gnomAD no frequency). This sequence change creates a premature translational stop signal (p.Ser33Phefs*2) in the SLC16A2 gene. It is expected to result in an absent or disrupted protein product. Loss-of-function variants in SLC16A2 are known to be pathogenic (PMID: 20083155, 25527620). For these reasons, this variant has been classified as Pathogenic.

Fulgent Genetics
Classification: Likely pathogenic for Allan-Herndon-Dudley syndrome. Last evaluated: 2021-12-03. Review status: criteria provided, single submitter. Criteria: ACMG Guidelines, 2015. Collection method: clinical testing. Allele origin: unknown.

Literature cited by the submitters: PubMed 20083155 (cited by Labcorp Genetics (formerly Invitae), Labcorp); PubMed 25527620 (cited by Labcorp Genetics (formerly Invitae), Labcorp).

NM_006517.5(SLC16A2):c.97dup (p.Ser33fs)

Gene: SLC16A2 (solute carrier family 16 member 2; plus strand). Cytogenetic location: Xq13.2.
Variant type: Duplication.
Coding change: c.97dup on transcript NM_006517.5 (MANE Select); coding-DNA position 97, one base duplicated (T; older notation c.97dupT).
Protein change: p.Ser33fs; shifts the reading frame from serine 33.
Molecular consequence: frameshift variant.
Genome position (GRCh38, 1-based): chrX:74,421,734, T duplicated. VCF-style (leftmost placement, unchanged base first): chrX-74421733-G-GT. GRCh37 (hg19) VCF-style: chrX-73641568-G-GT.
Other names: short protein forms S33fs.
Identifiers: ClinVar variation 1366592 (VCV001366592.7), dbSNP rs2147833877, ClinGen allele CA2573159666.